The following is an entry in ClinVar:

NM_007327.4(GRIN1):c.1943C>T (p.Thr648Ile)

Gene: GRIN1 (glutamate ionotropic receptor NMDA type subunit 1; plus strand). Cytogenetic location: 9q34.3.
Variant type: single nucleotide variant.
Coding change: c.1943C>T on transcript NM_007327.4 (MANE Select); coding-DNA position 1943, C replaced by T.
Protein change: p.Thr648Ile; replaces threonine 648 with isoleucine.
Molecular consequence: missense variant.
Genome position (GRCh38, 1-based): chr9:137,162,669, C>T. VCF-style: chr9-137162669-C-T. GRCh37 (hg19) VCF-style: chr9-140057121-C-T.
Other names: c.1943C>T, p.Thr648Ile (NM_000832.7, NM_021569.4); c.2006C>T, p.Thr669Ile (NM_001185090.2, NM_001185091.2, NM_001437330.1 and 1 more transcripts); short protein forms T648I, T669I.
Identifiers: ClinVar variation 4879762 (VCV004879762.1).
Genomic context (GRCh38, chr9:137,162,669, plus strand): 5'-CAGCGCGCATCCTGGGCATGGTGTGGGCCGGCTTTGCCATGATCATCGTGGCCTCCTACA[C>T]CGCCAACCTGGCGGCCTTCCTGGTGCTGGACCGGCCGGAGGAGCGCATCACGGGCATCAA-3'
Protein context (NP_015566.1, residues 638-658): GFAMIIVASY[Thr648Ile]ANLAAFLVLD

ClinVar aggregate classification (germline): Likely pathogenic (1 of 4 stars; one submission).

Conditions:
Neurodevelopmental disorder with or without hyperkinetic movements and seizures, autosomal dominant. Also called: Intellectual disability, autosomal dominant 8. Identifiers: MedGen C3280282, MONDO:0013655, OMIM 614254.

Submission:

Victorian Clinical Genetics Services, Murdoch Childrens Research Institute
Classification: Likely pathogenic for Neurodevelopmental disorder with or without hyperkinetic movements and seizures, autosomal dominant. Last evaluated: 2026-04-28. Review status: criteria provided, single submitter. Criteria: ACMG Guidelines, 2015. Collection method: clinical testing. Allele origin: germline. Affected: yes.
Comment: This variant is classified as Likely pathogenic. Evidence in support of pathogenic classification: Variant is absent from gnomAD (v2, v3 and v4); Variant is located in a hotspot region or cluster of PATHOGENIC variants (DECIPHER); Missense variant predicted to be damaging by in silico tool(s) or highly conserved with a major amino acid change; Additional information: Variant is predicted to result in a missense amino acid change from Thr to Ile; This variant is heterozygous; This gene is associated with both recessive and dominant disease. Missense located mostly in the N-terminal domain and NMD-predicted variants tend to be associated with autosomal recessive disease and a loss of function mechanism. Missense variants with gain of function and dominant negative consequences on protein function, usually found in the C-terminal domain, tend to be associated with dominant disease (PMID: 27164704, PMID: 29365063, OMIM); This variant has no previous evidence of pathogenicity; No published evidence of segregation with disease has been identified for this variant; No published functional evidence has been identified for this variant; Another missense variant(s) comparable to the one identified in this case has/have inconclusive previous evidence for pathogenicity. p.(Thr648Pro) has been classified as a variant of uncertain significance by a clinical laboratory (ClinVar); Dominant negative, loss of function and gain of function are reported mechanisms of disease in this gene and have been associated with both autosomal dominant and recessive neurodevelopmental disorder with or without hyperkinetic movements and seizures (MIM#614254, MIM#617820).

Literature cited by the submitters: PubMed 29365063; PubMed 27164704.